The following is an entry in ClinVar:

NM_000202.8(IDS):c.880-2A>C

Genes: IDS (iduronate 2-sulfatase; minus strand), LOC106050102 (IDS recombination region; plus strand). Cytogenetic location: Xq28.
Variant type: single nucleotide variant.
Coding change: c.880-2A>C on transcript NM_000202.8 (MANE Select); the canonical splice acceptor site of the intron before coding-DNA position 880, A replaced by C.
Molecular consequence: splice acceptor variant.
Genome position (GRCh38, 1-based): chrX:149,490,442, T>G on the plus strand (A>C on the coding strand, the complement: IDS is on the minus strand). VCF-style: chrX-149490442-T-G. GRCh37 (hg19) VCF-style: chrX-148571973-T-G.
Other names: c.610-2A>C (NM_001166550.4); c.880-2A>C (NM_006123.5).
Identifiers: ClinVar variation 2138749 (VCV002138749.6), dbSNP rs2520813902, ClinGen allele CA414520575.

ClinVar aggregate classification (germline): Pathogenic. Review status: criteria provided, multiple submitters, no conflicts (2 of 4 stars). 2 submissions from 2 submitters: Pathogenic (2). Last evaluated 2024-06-07.

Conditions:
Mucopolysaccharidosis, MPS-II (MPS2). Also called: Mucopolysaccharidosis with skin involvement; Mucopolysaccharidosis Type II; IDS deficiency; Sulfoiduronate sulfatase deficiency; SIDS deficiency; Mucopolysaccharidosis type 2. Identifiers: Orphanet 580, Orphanet 79388, MedGen C0026705, MONDO:0010674, OMIM 309900.

Submissions (2):

Laboratory of Diagnosis and Therapy of Lysosomal Disorders, University of Padova
Classification: Pathogenic for Mucopolysaccharidosis, MPS-II. Last evaluated: 2024-06-07. Review status: criteria provided, single submitter. Criteria: ACMG Guidelines, 2015. Collection method: literature only. Allele origin: germline. Affected: yes. Observed: 1 variant allele.
Comment: Null variant (PVS1_VeryStrong), Absent from controls (or at low frequency) in gnomAD database (PM2_Moderate), Patient’s phenotype or family history highly specific for the disease (PP4_Strong)

Classification method: ACMG Guidelines [PMID:25741868] with modifications

Labcorp Genetics (formerly Invitae), Labcorp
Classification: Pathogenic for Mucopolysaccharidosis, MPS-II. Last evaluated: 2022-10-04. Review status: criteria provided, single submitter. Criteria: Invitae Variant Classification Sherloc (09022015). Collection method: clinical testing. Allele origin: germline.
Comment: For these reasons, this variant has been classified as Pathogenic. Algorithms developed to predict the effect of sequence changes on RNA splicing suggest that this variant may disrupt the consensus splice site. Disruption of this splice site has been observed in individual(s) with clinical features of mucopolysaccharidosis II (PMID: 22976768, 33676511). This variant is not present in population databases (gnomAD no frequency). This sequence change affects an acceptor splice site in intron 6 of the IDS gene. It is expected to disrupt RNA splicing. Variants that disrupt the donor or acceptor splice site typically lead to a loss of protein function (PMID: 16199547), and loss-of-function variants in IDS are known to be pathogenic (PMID: 8940265, 9875019).

Literature cited by the submitters: PubMed 22976768 (cited by Laboratory of Diagnosis and Therapy of Lysosomal Disorders, University of Padova and Labcorp Genetics (formerly Invitae), Labcorp); PubMed 33676511 (cited by Labcorp Genetics (formerly Invitae), Labcorp); PubMed 16199547 (cited by Labcorp Genetics (formerly Invitae), Labcorp); PubMed 8940265 (cited by Labcorp Genetics (formerly Invitae), Labcorp); PubMed 9875019 (cited by Labcorp Genetics (formerly Invitae), Labcorp).